The following is an entry in ClinVar:

ClinVar aggregate classification (germline): Pathogenic. Review status: criteria provided, single submitter (1 of 4 stars). 2 submissions from 2 submitters: Pathogenic (1). 1 of the submissions does not count toward it. Last evaluated 2022-07-12.

Conditions:
Long QT syndrome (LQTS). Identifiers: MedGen C0023976, MeSH D008133, MONDO:0002442. Disease mechanism: loss of function. Inheritance: Various modes of inheritance.
Long QT syndrome 2 (LQT2). Identifiers: Orphanet 101016, Orphanet 768, MedGen C3150943, MONDO:0013367, OMIM 613688.

Submissions (2):

Labcorp Genetics (formerly Invitae), Labcorp
Classification: Pathogenic for Long QT syndrome. Last evaluated: 2022-07-12. Review status: criteria provided, single submitter. Criteria: Invitae Variant Classification Sherloc (09022015). Collection method: clinical testing. Allele origin: germline.
Comment: For these reasons, this variant has been classified as Pathogenic. Algorithms developed to predict the effect of sequence changes on RNA splicing suggest that this variant may create or strengthen a splice site. ClinVar contains an entry for this variant (Variation ID: 430730). This variant has not been reported in the literature in individuals affected with KCNH2-related conditions. This variant is not present in population databases (gnomAD no frequency). This sequence change creates a premature translational stop signal (p.Arg894Alafs*82) in the KCNH2 gene. It is expected to result in an absent or disrupted protein product. Loss-of-function variants in KCNH2 are known to be pathogenic (PMID: 10973849, 19862833).

Institute of Human Genetics, University of Goettingen
Classification: Likely pathogenic for Long QT syndrome 2. Last evaluated: 2017-07-17. Review status: no assertion criteria provided. Collection method: clinical testing. Allele origin: germline. Affected: yes. Observed: 1 variant allele, 1 heterozygote. Not counted in ClinVar's aggregate classification.
Comment: Long OT syndrome

Literature cited by the submitters: PubMed 10973849 (cited by Labcorp Genetics (formerly Invitae), Labcorp); PubMed 19862833 (cited by Labcorp Genetics (formerly Invitae), Labcorp).

NM_000238.4(KCNH2):c.2675_2679dup (p.Arg894fs)

Gene: KCNH2 (potassium voltage-gated channel subfamily H member 2; minus strand). Cytogenetic location: 7q36.1.
Variant type: Duplication.
Coding change: c.2675_2679dup on transcript NM_000238.4 (MANE Select); coding-DNA positions 2675 to 2679, 5 bases duplicated (GCAGG; older notation c.2675_2679dupGCAGG).
Protein change: p.Arg894fs; shifts the reading frame from arginine 894.
Molecular consequence: frameshift variant.
Genome position (GRCh38, 1-based): chr7:150,948,457-150,948,461, CCTGC duplicated on the plus strand (GCAGG on the coding strand, the reverse complement: KCNH2 is on the minus strand). VCF-style (leftmost placement, unchanged base first): chr7-150948456-G-GCCTGC. GRCh37 (hg19) VCF-style: chr7-150645544-G-GCCTGC.
Other names: c.1655_1659dup, p.Arg554fs (NM_172057.3); c.2675_2679dupGCAGG (NM_000238.3); short protein forms R554fs, R894fs.
Identifiers: ClinVar variation 430730 (VCV000430730.8), dbSNP rs1131692183, ClinGen allele CA645372848.